The following is an entry in ClinVar:

ClinVar aggregate classification (germline): Uncertain significance (1 of 4 stars; one submission).

Conditions:
Brugada syndrome. Also called: Sudden unexpected nocturnal death syndrome; Sudden Unexplained Death Syndrome; Sudden Unexplained Nocturnal Death Syndrome (SUNDS); Sudden unexplained nocturnal death syndrome. Identifiers: Orphanet 130, MedGen C1142166, MONDO:0015263.

Submission:

Labcorp Genetics (formerly Invitae), Labcorp
Classification: Uncertain significance for Brugada syndrome. Last evaluated: 2024-10-27. Review status: criteria provided, single submitter. Criteria: Invitae Variant Classification Sherloc (09022015). Collection method: clinical testing. Allele origin: germline.
Comment: This sequence change replaces alanine, which is neutral and non-polar, with valine, which is neutral and non-polar, at codon 1719 of the SCN10A protein (p.Ala1719Val). This variant is not present in population databases (gnomAD no frequency). This variant has not been reported in the literature in individuals affected with SCN10A-related conditions. Invitae Evidence Modeling of protein sequence and biophysical properties (such as structural, functional, and spatial information, amino acid conservation, physicochemical variation, residue mobility, and thermodynamic stability) has been performed for this missense variant. However, the output from this modeling did not meet the statistical confidence thresholds required to predict the impact of this variant on SCN10A protein function. In summary, the available evidence is currently insufficient to determine the role of this variant in disease. Therefore, it has been classified as a Variant of Uncertain Significance.

NM_006514.4(SCN10A):c.5156C>T (p.Ala1719Val)

Gene: SCN10A (sodium voltage-gated channel alpha subunit 10; minus strand). Cytogenetic location: 3p22.2.
Variant type: single nucleotide variant.
Coding change: c.5156C>T on transcript NM_006514.4 (MANE Select); coding-DNA position 5156, C replaced by T.
Protein change: p.Ala1719Val; replaces alanine 1719 with valine.
Molecular consequence: missense variant.
Genome position (GRCh38, 1-based): chr3:38,698,064, G>A on the plus strand (C>T on the coding strand, the complement: SCN10A is on the minus strand). VCF-style: chr3-38698064-G-A. GRCh37 (hg19) VCF-style: chr3-38739555-G-A.
Other names: c.5153C>T, p.Ala1718Val (NM_001293306.2); c.4862C>T, p.Ala1621Val (NM_001293307.2); short protein forms A1621V, A1718V, A1719V.
Identifiers: ClinVar variation 3688055 (VCV003688055.2).